The following is an entry in ClinVar:

ClinVar aggregate classification (germline): Uncertain significance (1 of 4 stars; one submission).

Submission:

Labcorp Genetics (formerly Invitae), Labcorp
Classification: Uncertain significance. Last evaluated: 2025-10-25. Review status: criteria provided, single submitter. Criteria: Invitae Variant Classification Sherloc (09022015). Collection method: clinical testing. Allele origin: germline.
Comment: This sequence change replaces tyrosine, which is neutral and polar, with cysteine, which is neutral and slightly polar, at codon 1018 of the ALPK1 protein (p.Tyr1018Cys). This variant is not present in population databases (gnomAD no frequency). This variant has not been reported in the literature in individuals affected with ALPK1-related conditions. Invitae Evidence Modeling of protein sequence and biophysical properties (such as structural, functional, and spatial information, amino acid conservation, physicochemical variation, residue mobility, and thermodynamic stability) indicates that this missense variant is expected to disrupt ALPK1 protein function with a positive predictive value of 80%. In summary, the available evidence is currently insufficient to determine the role of this variant in disease. Therefore, it has been classified as a Variant of Uncertain Significance.

NM_025144.4(ALPK1):c.3053A>G (p.Tyr1018Cys)

Gene: ALPK1 (alpha kinase 1; plus strand). Cytogenetic location: 4q25.
Variant type: single nucleotide variant.
Coding change: c.3053A>G on transcript NM_025144.4 (MANE Select); coding-DNA position 3053, A replaced by G.
Protein change: p.Tyr1018Cys; replaces tyrosine 1018 with cysteine.
Molecular consequence: missense variant.
Genome position (GRCh38, 1-based): chr4:112,435,166, A>G. VCF-style: chr4-112435166-A-G. GRCh37 (hg19) VCF-style: chr4-113356322-A-G.
Other names: c.3053A>G, p.Tyr1018Cys (NM_001102406.2); c.2819A>G, p.Tyr940Cys (NM_001253884.2); short protein forms Y940C, Y1018C.
Identifiers: ClinVar variation 4743319 (VCV004743319.1).